The following is an entry in ClinVar:

ClinVar aggregate classification (germline): Uncertain significance (1 of 4 stars; one submission).

Conditions:
CTNNB1-related neurodevelopmental disorder and/or vitreoretinopathy. Identifiers: MedGen CN377755, MONDO:0100571.

Submission:

Victorian Clinical Genetics Services, Murdoch Childrens Research Institute
Classification: Uncertain significance for CTNNB1-related neurodevelopmental disorder and/or vitreoretinopathy. Last evaluated: 2026-04-09. Review status: criteria provided, single submitter. Criteria: ACMG Guidelines, 2015. Collection method: clinical testing. Allele origin: germline. Affected: yes.
Comment: This variant is classified as VUS-3A. Evidence in support of pathogenic classification: Variant is absent from gnomAD (v2, v3 and v4); Missense variant in a region that is highly intolerant to missense variation (high constraint region in DECIPHER). Evidence in support of benign classification: Missense variant predicted to be tolerated by in silico tool(s) or not conserved in placental mammals with a minor amino acid change. Additional information: Variant is predicted to result in a missense amino acid change from Asp to Glu; This variant is heterozygous; This gene is associated with autosomal dominant disease; This variant has no previous evidence of pathogenicity; No published evidence of segregation with disease has been identified for this variant; No published functional evidence has been identified for this variant; No comparable missense variants have previous evidence for pathogenicity; Loss of function is a known mechanism of disease in this gene and is associated with CTNNB1-related neurodevelopmental disorder and/or vitreoretinopathy (MONDO:0100571). However, somatic variants with a gain of function mechanism have been reported to cause cancer (OMIM); Inheritance information for this variant is not currently available in this individual.

NM_001904.4(CTNNB1):c.1995C>G (p.Asp665Glu)

Gene: CTNNB1 (catenin beta 1; plus strand). Cytogenetic location: 3p22.1.
Variant type: single nucleotide variant.
Coding change: c.1995C>G on transcript NM_001904.4 (MANE Select); coding-DNA position 1995, C replaced by G.
Protein change: p.Asp665Glu; replaces aspartic acid 665 with glutamic acid.
Molecular consequence: missense variant.
Genome position (GRCh38, 1-based): chr3:41,236,628, C>G. VCF-style: chr3-41236628-C-G. GRCh37 (hg19) VCF-style: chr3-41278119-C-G.
Other names: c.1995C>G, p.Asp665Glu (NM_001098209.2, NM_001098210.2); c.1974C>G, p.Asp658Glu (NM_001330729.2); short protein forms D658E, D665E.
Identifiers: ClinVar variation 1699038 (VCV001699038.4), dbSNP rs77750814, ClinGen allele CA352236504.
Genomic context (GRCh38, chr3:41,236,628, plus strand): 5'-TTTTTCTCCTTGTCTCTTAGCGACATATGCAGCTGCTGTTTTGTTCCGAATGTCTGAGGA[C>G]AAGCCACAAGATTACAAGAAACGGCTTTCAGTTGAGCTGACCAGCTCTCTCTTCAGAACA-3'
Protein context (NP_001895.1, residues 655-675): AAAVLFRMSE[Asp665Glu]KPQDYKKRLS